The following is an entry in ClinVar:

NM_212552.3(BOLA3):c.170G>A (p.Gly57Glu)

Gene: BOLA3 (bolA family member 3; minus strand). Cytogenetic location: 2p13.1.
Variant type: single nucleotide variant.
Coding change: c.170G>A on transcript NM_212552.3 (MANE Select); coding-DNA position 170, G replaced by A.
Protein change: p.Gly57Glu; replaces glycine 57 with glutamic acid.
Molecular consequence: missense variant. On other transcripts: intron variant (1).
Genome position (GRCh38, 1-based): chr2:74,142,360, C>T on the plus strand (G>A on the coding strand, the complement: BOLA3 is on the minus strand). VCF-style: chr2-74142360-C-T. GRCh37 (hg19) VCF-style: chr2-74369487-C-T.
Other names: c.169+2829G>A (NM_001035505.2); short protein forms G57E.
Identifiers: ClinVar variation 1878638 (VCV001878638.1), dbSNP rs1692451706, ClinGen allele CA347311639.

ClinVar aggregate classification (germline): Uncertain significance (1 of 4 stars; one submission).

Conditions:
Multiple mitochondrial dysfunctions syndrome 2 (MMDS2). Also called: MULTIPLE MITOCHONDRIAL DYSFUNCTIONS SYNDROME 2 WITH HYPERGLYCINEMIA. Identifiers: Orphanet 401874, MedGen C3280378, MONDO:0013675, OMIM 614299.

Submission:

Neuberg Centre For Genomic Medicine, NCGM
Classification: Uncertain significance for Multiple mitochondrial dysfunctions syndrome 2. Review status: criteria provided, single submitter. Criteria: ACMG Guidelines, 2015. Collection method: clinical testing. Allele origin: germline. Affected: yes.
Comment: The missense variant p.G57E in BOLA3 (NM_212552.2) has not been reported previously as a pathogenic variant nor as a benign variant, to our knowledge. The p.G57E variant is novel (not in any individuals) in gnomAD Exomes and is novel (not in any individuals) in 1000 Genomes. There is a moderate physicochemical difference between glycine and glutamic acid. The variant is predicted to be damaging by SIFT and Polyphenand the residue is conserved across sepcies